The following is an entry in ClinVar:

ClinVar aggregate classification (germline): Uncertain significance (1 of 4 stars; one submission).

Conditions:
Dyskeratosis congenita. Identifiers: Orphanet 1775, MedGen C0265965, MONDO:0015780.

Allele frequency attached by ClinVar (database versions not stated): TOPMed below 0.00001; gnomAD 0.00001.

Submission:

Ambry Genetics
Classification: Uncertain significance for Dyskeratosis congenita. Last evaluated: 2024-02-13. Review status: criteria provided, single submitter. Criteria: Ambry Variant Classification Scheme 2023. Collection method: clinical testing. Allele origin: germline.
Comment: The p.P673S variant (also known as c.2017C>T), located in coding exon 5 of the TERT gene, results from a C to T substitution at nucleotide position 2017. The proline at codon 673 is replaced by serine, an amino acid with similar properties. This amino acid position is conserved. In addition, the in silico prediction for this alteration is inconclusive. Based on the available evidence, the clinical significance of this alteration remains unclear.

NM_198253.3(TERT):c.2017C>T (p.Pro673Ser)

Gene: TERT (telomerase reverse transcriptase; minus strand). Cytogenetic location: 5p15.33.
Variant type: single nucleotide variant.
Coding change: c.2017C>T on transcript NM_198253.3 (MANE Select); coding-DNA position 2017, C replaced by T.
Protein change: p.Pro673Ser; replaces proline 673 with serine.
Molecular consequence: missense variant. On other transcripts: non-coding transcript variant (2).
Genome position (GRCh38, 1-based): chr5:1,279,404, G>A on the plus strand (C>T on the coding strand, the complement: TERT is on the minus strand). VCF-style: chr5-1279404-G-A. GRCh37 (hg19) VCF-style: chr5-1279519-G-A.
Other names: c.2017C>T, p.Pro673Ser (NM_001193376.3, NM_003219.1); short protein forms P673S.
Identifiers: ClinVar variation 3238538 (VCV003238538.1), dbSNP rs948721412.
Genomic context (GRCh38, chr5:1,279,404, plus strand): 5'-AGGTGCGCCAGGCCCTGTGGATATCGTCCAGGCCCAGCACAGAGGCGCCCAGGAGGCCGG[G>A]GCGCCGCGCCCGCTCGTAGTTGAGCACGCTGAACAGTGCCTTCACCCTCGAGGTGAGACG-3'
Protein context (NP_937983.2, residues 663-683): SVLNYERARR[Pro673Ser]GLLGASVLGL